The following is an entry in ClinVar:

NM_001379500.1(COL18A1):c.3250-2del

Genes: COL18A1 (collagen type XVIII alpha 1 chain; plus strand), SLC19A1 (solute carrier family 19 member 1; minus strand). Cytogenetic location: 21q22.3.
Variant type: Deletion.
Coding change: c.3250-2del on transcript NM_001379500.1 (MANE Select); the canonical splice acceptor site of the intron before coding-DNA position 3250, one base deleted (A; older notation c.3250-2delA).
Molecular consequence: splice acceptor variant.
Genome position (GRCh38, 1-based): chr21:45,509,354, A deleted. VCF-style (leftmost placement, unchanged base first): chr21-45509353-CA-C. GRCh37 (hg19) VCF-style: chr21-46929267-CA-C.
Other names: c.4495-2del (NM_130444.3); c.3790-2del (NM_030582.4).
Identifiers: ClinVar variation 3726152 (VCV003726152.2).
Genomic context (GRCh38, chr21:45,509,353, plus strand): 5'-CAGATGGAGGAGGGGCACCCGGAGGGTCCCCCCGCCGACAGGCCCCACGTCTCCCACCTG[CA>C]GGACAATGAAGTGGCCGCCTTGCAGCCCCCCGTGGTGCAGCTGCACGACAGCAACCCCTA-3'

ClinVar aggregate classification (germline): Likely pathogenic (1 of 4 stars; one submission).

Submission:

Labcorp Genetics (formerly Invitae), Labcorp
Classification: Likely pathogenic. Last evaluated: 2024-11-27. Review status: criteria provided, single submitter. Criteria: Invitae Variant Classification Sherloc (09022015). Collection method: clinical testing. Allele origin: germline.
Comment: This sequence change affects a splice site in intron 38 of the COL18A1 gene. It is expected to disrupt RNA splicing. Variants that disrupt the donor or acceptor splice site typically lead to a loss of protein function (PMID: 16199547), and loss-of-function variants in COL18A1 are known to be pathogenic (PMID: 12415512, 25456301). This variant is not present in population databases (gnomAD no frequency). This variant has not been reported in the literature in individuals affected with COL18A1-related conditions. Algorithms developed to predict the effect of sequence changes on RNA splicing suggest that this variant may disrupt the consensus splice site. In summary, the currently available evidence indicates that the variant is pathogenic, but additional data are needed to prove that conclusively. Therefore, this variant has been classified as Likely Pathogenic.

Literature cited by the submitters: PubMed 16199547; PubMed 12415512; PubMed 25456301.